The following is an entry in ClinVar:

ClinVar aggregate classification (germline): Uncertain significance (1 of 4 stars; one submission).

Conditions:
Duchenne and Becker muscular dystrophy. Also called: Duchenne / Becker Muscular Dystrophy. Identifiers: Orphanet 262, MedGen C3542021. Disease mechanism: loss of function.

Submission:

Victorian Clinical Genetics Services, Murdoch Childrens Research Institute
Classification: Uncertain significance for Duchenne and Becker muscular dystrophy. Last evaluated: 2020-05-25. Review status: criteria provided, single submitter. Criteria: ACMG Guidelines, 2015. Collection method: clinical testing. Allele origin: germline. Inheritance: X-linked recessive inheritance. Affected: yes.
Comment: Based on the classification scheme VCGS_Germline_v1.1.1, this variant is classified as VUS – 3B. Following criteria are met: 0102 - Loss-of-function is a known mechanism of disease for this gene. (N) 0109 - This gene is known to be associated with X-linked recessive disease. (N) 0200 - Variant is predicted to result in a missense amino acid change from valine to aspartic acid (exon 34). (N) 0253 - Variant is hemizygous. (N) 0301 - Variant is absent from gnomAD. (P) 0502 - Missense variant with conflicting in silico predictions and/or uninformative conservation. (N) 0600 - Variant is located in an annotated domain or motif (spectrin repeat, PDB). (N) 0705 - No comparable variants have previous evidence for pathogenicity. (N) 0807 - Variant has not previously been reported in a clinical context. (N) 0905 - No segregation evidence has been identified for this variant. (N) 1007 - No published functional evidence has been identified for this variant. (N) 1208 - Inheritance information for this variant is not currently available. (N) Legend: (P) - Pathogenic, (N) - Neutral, (B) - Benign

NM_004006.3(DMD):c.4832T>A (p.Val1611Asp)

Gene: DMD (dystrophin; minus strand). Cytogenetic location: Xp21.1.
Variant type: single nucleotide variant.
Coding change: c.4832T>A on transcript NM_004006.3 (MANE Select); coding-DNA position 4832, T replaced by A.
Protein change: p.Val1611Asp; replaces valine 1611 with aspartic acid.
Molecular consequence: missense variant.
Genome position (GRCh38, 1-based): chrX:32,380,523, A>T on the plus strand (T>A on the coding strand, the complement: DMD is on the minus strand). VCF-style: chrX-32380523-A-T. GRCh37 (hg19) VCF-style: chrX-32398640-A-T.
Other names: c.4808T>A, p.Val1603Asp (NM_000109.4); c.4820T>A, p.Val1607Asp (NM_004009.3); c.4463T>A, p.Val1488Asp (NM_004010.3); c.809T>A, p.Val270Asp (NM_004011.4); c.800T>A, p.Val267Asp (NM_004012.4); short protein forms V1488D, V1603D, V1607D, V1611D, V267D, V270D.
Identifiers: ClinVar variation 1699477 (VCV001699477.2), dbSNP rs2147469937, ClinGen allele CA412660969.